The following is an entry in ClinVar:

NM_002863.5(PYGL):c.2534A>G (p.Asn845Ser)

Gene: PYGL (glycogen phosphorylase L; minus strand). Cytogenetic location: 14q22.1.
Variant type: single nucleotide variant.
Coding change: c.2534A>G on transcript NM_002863.5 (MANE Select); coding-DNA position 2534, A replaced by G.
Protein change: p.Asn845Ser; replaces asparagine 845 with serine.
Molecular consequence: missense variant.
Genome position (GRCh38, 1-based): chr14:50,905,402, T>C on the plus strand (A>G on the coding strand, the complement: PYGL is on the minus strand). VCF-style: chr14-50905402-T-C. GRCh37 (hg19) VCF-style: chr14-51372120-T-C.
Other names: c.2432A>G, p.Asn811Ser (NM_001163940.2); short protein forms N845S, N811S.
Identifiers: ClinVar variation 258843 (VCV000258843.22), dbSNP rs78558135, ClinGen allele CA7183086.

ClinVar aggregate classification (germline): Benign/Likely benign. Review status: criteria provided, multiple submitters, no conflicts (2 of 4 stars). 6 submissions from 6 submitters: Benign (3); Likely benign (2). 1 of the submissions does not count toward it. Last evaluated 2026-01-27.

Conditions:
Glycogen storage disease, type VI (GSD6). Also called: Glycogen storage disease type 6; Hepatic glycogen phosphorylase deficiency; HERS DISEASE; PHOSPHORYLASE DEFICIENCY GLYCOGEN-STORAGE DISEASE OF LIVER; Glycogen storage disease type 6, due to phosphorylation; GSD VI. Identifiers: Orphanet 369, MedGen C0017925, MONDO:0009294, OMIM 232700.

Allele frequency attached by ClinVar (database versions not stated): gnomAD exomes 0.00164 and 0.00397; ExAC 0.00489; gnomAD 0.01623 and 0.01732; ESP Exome Variant Server 0.01715; TOPMed 0.01777; 1000 Genomes Project 30x 0.02217; 1000 Genomes Project 0.02236.
gnomAD v4.1: 5,012 of 1,612,492 alleles (0.31%); highest among the groups gnomAD compares: African/African-American, 5.7%; 140 homozygotes.

Submissions (6):

Labcorp Genetics (formerly Invitae), Labcorp
Classification: Benign for Glycogen storage disease, type VI. Last evaluated: 2026-01-27. Review status: criteria provided, single submitter. Criteria: Invitae Variant Classification Sherloc (09022015). Collection method: clinical testing. Allele origin: germline.

ARUP Laboratories, Molecular Genetics and Genomics, ARUP Laboratories
Classification: Benign for Glycogen storage disease, type VI. Last evaluated: 2024-11-05. Review status: criteria provided, single submitter. Criteria: ARUP Molecular Germline Variant Investigation Process 2024. Collection method: clinical testing. Allele origin: germline.

Illumina Laboratory Services, Illumina
Classification: Likely benign for Glycogen storage disease, type VI. Last evaluated: 2017-04-28. Review status: criteria provided, single submitter. Criteria: ICSL Variant Classification Criteria 13 December 2019. Collection method: clinical testing. Allele origin: germline.
Comment: This variant was observed as part of a predisposition screen in an ostensibly healthy population. A literature search was performed for the gene, cDNA change, and amino acid change (where applicable). No publications were found based on this search. Allele frequency data from public databases allowed determination this variant is unlikely to cause disease. Therefore, this variant is classified as likely benign.

Breakthrough Genomics
Classification: Likely benign. Review status: criteria provided, single submitter. Criteria: ACMG Guidelines, 2015. Collection method: not provided. Allele origin: germline. Inheritance: Autosomal recessive inheritance. Affected: yes.

PreventionGenetics, part of Exact Sciences
Classification: Benign. Review status: criteria provided, single submitter. Criteria: ACMG Guidelines, 2015. Collection method: clinical testing. Allele origin: germline.

Mayo Clinic Laboratories, Mayo Clinic
Classification: Benign. Last evaluated: 2017-05-24. Review status: no assertion criteria provided. Collection method: clinical testing. Allele origin: unknown. Not counted in ClinVar's aggregate classification.